The following is an entry in ClinVar:

ClinVar aggregate classification (germline): Uncertain significance (1 of 4 stars; one submission).

Conditions:
Hereditary cancer-predisposing syndrome. Also called: Tumor predisposition; Neoplastic Syndromes, Hereditary; Hereditary Cancer Syndrome; Hereditary neoplastic syndrome. Identifiers: Orphanet 140162, MedGen C0027672, MeSH D009386, MONDO:0015356.

Submission:

Ambry Genetics
Classification: Uncertain significance for Hereditary cancer-predisposing syndrome. Last evaluated: 2024-10-08. Review status: criteria provided, single submitter. Criteria: Ambry Variant Classification Scheme 2023. Collection method: clinical testing. Allele origin: germline.
Comment: The p.D310N variant (also known as c.928G>A), located in coding exon 10 of the CDC73 gene, results from a G to A substitution at nucleotide position 928. The aspartic acid at codon 310 is replaced by asparagine, an amino acid with highly similar properties. This amino acid position is conserved. In addition, this alteration is predicted to be tolerated by in silico analysis. Based on the available evidence, the clinical significance of this variant remains unclear.

NM_024529.5(CDC73):c.928G>A (p.Asp310Asn)

Gene: CDC73 (cell division cycle 73; plus strand). Cytogenetic location: 1q31.2.
Variant type: single nucleotide variant.
Coding change: c.928G>A on transcript NM_024529.5 (MANE Select); coding-DNA position 928, G replaced by A.
Protein change: p.Asp310Asn; replaces aspartic acid 310 with asparagine.
Molecular consequence: missense variant.
Genome position (GRCh38, 1-based): chr1:193,152,400, G>A. VCF-style: chr1-193152400-G-A. GRCh37 (hg19) VCF-style: chr1-193121530-G-A.
Other names: short protein forms D310N.
Identifiers: ClinVar variation 3488524 (VCV003488524.1).
Genomic context (GRCh38, chr1:193,152,400, plus strand): 5'-ATCTATAAAATCTTAACAATAAGCCTCTTTTTTTTCGTAGAAACGGAAGGCTTCAAAATT[G>A]ACACTATGGGAACCTACCATGGTATGACACTGAAATCTGTAACGGTAAGTTAATTTGGCT-3'
Protein context (NP_078805.3, residues 300-320): GKEETEGFKI[Asp310Asn]TMGTYHGMTL